The following is an entry in ClinVar:

NM_001369.3(DNAH5):c.8246A>G (p.Tyr2749Cys)

Gene: DNAH5 (dynein axonemal heavy chain 5; minus strand). Cytogenetic location: 5p15.2.
Variant type: single nucleotide variant.
Coding change: c.8246A>G on transcript NM_001369.3 (MANE Select); coding-DNA position 8246, A replaced by G.
Protein change: p.Tyr2749Cys; replaces tyrosine 2749 with cysteine.
Molecular consequence: missense variant.
Genome position (GRCh38, 1-based): chr5:13,792,196, T>C on the plus strand (A>G on the coding strand, the complement: DNAH5 is on the minus strand). VCF-style: chr5-13792196-T-C. GRCh37 (hg19) VCF-style: chr5-13792305-T-C.
Other names: short protein forms Y2749C.
Identifiers: ClinVar variation 1488048 (VCV001488048.3), dbSNP rs1757110482, ClinGen allele CA359219754.
Genomic context (GRCh38, chr5:13,792,196, plus strand): 5'-AGAGGCACCAATTTTGTCACAGAATCTCTCACTTCTTCTGAGAAACCCCTCTGAGTACAG[T>C]AGTGGCCTACCCCAATCACACCTGAAAAGGGGGAAATTACAGCATTTTGATTAGCCATTC-3'
Protein context (NP_001360.1, residues 2739-2759): KIFGVIGVGH[Tyr2749Cys]CTQRGFSEEV

ClinVar aggregate classification (germline): Uncertain significance (1 of 4 stars; one submission).

Conditions:
Primary ciliary dyskinesia. Also called: Ciliary dyskinesia. Identifiers: Orphanet 244, MedGen C0008780, MONDO:0016575, HP:0012265.

Allele frequency attached by ClinVar (database versions not stated): gnomAD exomes below 0.00001; TOPMed below 0.00001.
gnomAD v4.1: 1 of 1,613,986 alleles (0.000062%); highest among the groups gnomAD compares: Admixed American, 0.0017%; no homozygotes.

Submission:

Labcorp Genetics (formerly Invitae), Labcorp
Classification: Uncertain significance for Primary ciliary dyskinesia. Last evaluated: 2021-11-10. Review status: criteria provided, single submitter. Criteria: Invitae Variant Classification Sherloc (09022015). Collection method: clinical testing. Allele origin: germline.
Comment: This sequence change replaces tyrosine, which is neutral and polar, with cysteine, which is neutral and slightly polar, at codon 2749 of the DNAH5 protein (p.Tyr2749Cys). This variant is not present in population databases (gnomAD no frequency). This missense change has been observed in individual(s) with clinical features of primary ciliary dyskinesia (Invitae). In at least one individual the data is consistent with the variant being in trans (on the opposite chromosome) from a pathogenic variant. Advanced modeling of protein sequence and biophysical properties (such as structural, functional, and spatial information, amino acid conservation, physicochemical variation, residue mobility, and thermodynamic stability) performed at Invitae indicates that this missense variant is not expected to disrupt DNAH5 protein function. In summary, the available evidence is currently insufficient to determine the role of this variant in disease. Therefore, it has been classified as a Variant of Uncertain Significance.